The following is an entry in ClinVar:

ClinVar aggregate classification (germline): Likely pathogenic (1 of 4 stars; one submission).

Conditions:
Argininosuccinate lyase deficiency. Also called: ARGININOSUCCINIC ACID LYASE DEFICIENCY; ASL DEFICIENCY; Argininosuccinic aciduria. Identifiers: Orphanet 23, MedGen C0268547, MONDO:0008815, OMIM 207900, HP:0025630.

Submission:

Natera, Inc.
Classification: Likely pathogenic for Argininosuccinate lyase deficiency. Last evaluated: 2024-04-17. Review status: criteria provided, single submitter. Criteria: Natera Variant Classification Schema (03/2026). Collection method: clinical testing. Allele origin: germline.
Comment: The c.718+1G>T variant in ASL is a canonical splice donor site variant predicted to affect pre-mRNA splicing, which may result in an abnormal transcript and altered protein product. This variant is expected to result in nonsense mediated decay, truncation, or a dysfunctional protein product. This variant is rare in the general population with a frequency below the threshold expected for the associated phenotype(s). Given the available evidence, this variant is classified as Likely Pathogenic.

NM_000048.4(ASL):c.718+1G>T

Gene: ASL (argininosuccinate lyase; plus strand). Cytogenetic location: 7q11.21.
Variant type: single nucleotide variant.
Coding change: c.718+1G>T on transcript NM_000048.4 (MANE Select); the canonical splice donor site of the intron after coding-DNA position 718, G replaced by T.
Molecular consequence: splice donor variant.
Genome position (GRCh38, 1-based): chr7:66,087,792, G>T. VCF-style: chr7-66087792-G-T. GRCh37 (hg19) VCF-style: chr7-65552779-G-T.
Other names: c.718+1G>T (NM_001024943.2, NM_001024944.2); c.640+1G>T (NM_001024946.2).
Identifiers: ClinVar variation 4818364 (VCV004818364.1).
Genomic context (GRCh38, chr7:66,087,792, plus strand): 5'-TCAACTTTGGGGCCATCACTCTCAACAGCATGGATGCCACTAGTGAGCGGGACTTTGTGG[G>T]TGAGTCCTGGGGAGCCAGTCCCCTGCCCTGTGCCTCACTTTAGTCCTTCAGCCCAGCTTC-3'